The following is an entry in ClinVar:

ClinVar aggregate classification (germline): Pathogenic. Review status: criteria provided, multiple submitters, no conflicts (2 of 4 stars). 8 submissions from 8 submitters: Pathogenic (5). 3 of the submissions do not count toward it. Last evaluated 2025-01-20.

Conditions:
POC1B-related disorder. Also called: POC1B-related condition.
Cone-rod dystrophy 20 (CORD20). Identifiers: Orphanet 1872, MedGen C4014856, MONDO:0014427, OMIM 615973.
Retinal dystrophy. Also called: Inherited retinal dystrophy. Identifiers: Orphanet 71862, MedGen C0854723, MeSH D058499, MONDO:0019118, HP:0000556.

Allele frequency attached by ClinVar (database versions not stated): gnomAD 0.00005 and 0.00006; TOPMed 0.00006; ExAC 0.00003; gnomAD exomes 0.00003.
gnomAD v4.1: 150 of 1,447,824 alleles (0.01%); highest among the groups gnomAD compares: Non-Finnish European, 0.014%; no homozygotes.

Submissions (8):

Labcorp Genetics (formerly Invitae), Labcorp
Classification: Pathogenic. Last evaluated: 2025-01-20. Review status: criteria provided, single submitter. Criteria: Invitae Variant Classification Sherloc (09022015). Collection method: clinical testing. Allele origin: germline.
Comment: This sequence change affects a donor splice site in intron 7 of the POC1B gene. RNA analysis indicates that disruption of this splice site induces altered splicing and may result in an absent or altered protein product. This variant is present in population databases (rs587777694, gnomAD 0.006%). Disruption of this splice site has been observed in individual(s) with POC1B related conditions (PMID: 25018096, 34065499). In at least one individual the data is consistent with being in trans (on the opposite chromosome) from a pathogenic variant. ClinVar contains an entry for this variant (Variation ID: 155771). Studies have shown that disruption of this splice site results in skipping of exon 6 and skipping of exon 6-7, and produces a non-functional protein and/or introduces a premature termination codon (PMID: 25018096). For these reasons, this variant has been classified as Pathogenic.

Blueprint Genetics
Classification: Pathogenic for POC1B-related disorders. Last evaluated: 2024-10-10. Review status: criteria provided, single submitter. Criteria: ACMG Guidelines, 2015. Collection method: clinical testing. Allele origin: germline. Affected: yes. Observed: 5 variant alleles.

Fulgent Genetics
Classification: Pathogenic for Cone-rod dystrophy 20. Last evaluated: 2024-01-15. Review status: criteria provided, single submitter. Criteria: ACMG Guidelines, 2015. Collection method: clinical testing. Allele origin: germline.

GeneDx
Classification: Pathogenic. Last evaluated: 2023-09-10. Review status: criteria provided, single submitter. Criteria: GeneDx Variant Classification Process June 2021. Collection method: clinical testing. Allele origin: germline. Affected: yes.
Comment: Observed with another POC1B variant in multiple unrelated patients with progressive retinopathy referred for genetic testing at GeneDx and in published literature (PMID: 25018096, 34065499); Published functional studies demonstrate a damaging effect with skipping of exon 7 or exons 6 and 7 resulting in a null allele (PMID: 25018096); Not observed at significant frequency in large population cohorts (gnomAD); Canonical splice site variant predicted to result in a null allele in a gene for which loss of function is a known mechanism of disease; This variant is associated with the following publications: (PMID: 34065499, 25018096)

Institute of Human Genetics, Univ. Regensburg, Univ. Regensburg
Classification: Pathogenic for Retinal dystrophy. Last evaluated: 2021-01-01. Review status: criteria provided, single submitter. Criteria: ACMG Guidelines, 2015. Collection method: clinical testing. Allele origin: germline. Affected: yes.

OMIM
Classification: Pathogenic for CONE-ROD DYSTROPHY 20. Last evaluated: 2014-08-07. Review status: no assertion criteria provided. Collection method: literature only. Allele origin: germline. Not counted in ClinVar's aggregate classification.

Clinical Genetics, Academic Medical Center
Classification: Pathogenic. Review status: no assertion criteria provided. Collection method: clinical testing. Allele origin: germline. Affected: yes. Study: VKGL Data-share Consensus. Not counted in ClinVar's aggregate classification.

Joint Genome Diagnostic Labs from Nijmegen and Maastricht, Radboudumc and MUMC+
Classification: Pathogenic. Review status: no assertion criteria provided. Collection method: clinical testing. Allele origin: germline. Affected: yes. Study: VKGL Data-share Consensus. Not counted in ClinVar's aggregate classification.

Literature cited by the submitters: PubMed 25018096 (cited by 3 submitters); PubMed 34065499 (cited by Labcorp Genetics (formerly Invitae), Labcorp and Institute of Human Genetics, Univ. Regensburg, Univ. Regensburg); PubMed 31964843 (cited by Institute of Human Genetics, Univ. Regensburg, Univ. Regensburg).

NM_172240.3(POC1B):c.810+1G>T

Genes: POC1B (POC1 centriolar protein B; minus strand), POC1B-DUSP6 (POC1B-DUSP6 readthrough; minus strand). Cytogenetic location: 12q21.33.
Variant type: single nucleotide variant.
Coding change: c.810+1G>T on transcript NM_172240.3 (MANE Select); the canonical splice donor site of the intron after coding-DNA position 810, G replaced by T.
Molecular consequence: splice donor variant.
Genome position (GRCh38, 1-based): chr12:89,470,360, C>A on the plus strand (G>T on the coding strand, the complement: POC1B is on the minus strand). VCF-style: chr12-89470360-C-A. GRCh37 (hg19) VCF-style: chr12-89864137-C-A.
Other names: IVS6DS, G-T, +1; c.684+1G>T (NM_001199777.2).
Identifiers: ClinVar variation 155771 (VCV000155771.22), dbSNP rs587777694, ClinGen allele CA170706.
Genomic context (GRCh38, chr12:89,470,360, plus strand): 5'-TTTAAAATATATATTATTTTATATTTTTATATATAAAAAGCAAGAATCTGAGTGTTAATA[C>A]CGTATGTCCTTGAAGTGTATAGATGAGCCTTCCTTCTAAGAGGTCCAGAATCTTAAGGGT-3'